The following is an entry in ClinVar:

ClinVar aggregate classification (germline): Uncertain significance (1 of 4 stars; one submission).

Conditions:
SCAPER-related disorder. Also called: SCAPER-related condition.

gnomAD v4.1: 1 of 1,613,978 alleles (0.000062%); highest among the groups gnomAD compares: Admixed American, 0.0017%; no homozygotes.

Submission:

PreventionGenetics, part of Exact Sciences
Classification: Uncertain significance for SCAPER-related condition. Last evaluated: 2025-08-18. Review status: criteria provided, single submitter. Criteria: ACMG Guidelines, 2015. Collection method: clinical testing. Allele origin: germline.
Comment: The SCAPER c.3244G>C variant is predicted to result in the amino acid substitution p.Ala1082Pro. To our knowledge, this variant has not been reported in the literature. This variant is reported in 0.0029% of alleles in individuals of Latino descent in gnomAD. At this time, the clinical significance of this variant is uncertain due to the absence of conclusive functional and genetic evidence.

NM_020843.4(SCAPER):c.3226G>C (p.Ala1076Pro)

Genes: SCAPER (S-phase cyclin A associated protein in the ER; minus strand), LOC126862183 (BRD4-independent group 4 enhancer GRCh37_chr15:76726060-76727259; plus strand). Cytogenetic location: 15q24.3.
Variant type: single nucleotide variant.
Coding change: c.3226G>C on transcript NM_020843.4 (MANE Select); coding-DNA position 3226, G replaced by C.
Protein change: p.Ala1076Pro; replaces alanine 1076 with proline.
Molecular consequence: missense variant. On other transcripts: non-coding transcript variant (1).
Genome position (GRCh38, 1-based): chr15:76,434,163, C>G on the plus strand (G>C on the coding strand, the complement: SCAPER is on the minus strand). VCF-style: chr15-76434163-C-G. GRCh37 (hg19) VCF-style: chr15-76726504-C-G.
Other names: c.2488G>C, p.Ala830Pro (NM_001145923.2); c.3244G>C, p.Ala1082Pro (NM_001353009.2); c.2824G>C, p.Ala942Pro (NM_001353010.2, NM_001353012.2); c.2842G>C, p.Ala948Pro (NM_001353011.2); short protein forms A1076P, A948P, A1082P, A942P, A830P.
Identifiers: ClinVar variation 4982168 (VCV004982168.1).